The following is an entry in ClinVar:

NM_000321.3(RB1):c.-78G>C

Gene: RB1 (RB transcriptional corepressor 1; plus strand). Cytogenetic location: 13q14.2.
Variant type: single nucleotide variant.
Coding change: c.-78G>C on transcript NM_000321.3 (MANE Select); 78 bases upstream of the start codon, G replaced by C.
Molecular consequence: 5 prime UTR variant.
Genome position (GRCh38, 1-based): chr13:48,303,835, G>C. VCF-style: chr13-48303835-G-C. GRCh37 (hg19) VCF-style: chr13-48877971-G-C.
Other names: c.-78G>C (NM_001407165.1, NM_001407166.1, NM_001407167.1).
Identifiers: ClinVar variation 4721637 (VCV004721637.1).
Genomic context (GRCh38, chr13:48,303,835, plus strand): 5'-TCCGGTTTTTCTCAGGGGACGTTGAAATTATTTTTGTAACGGGAGTCGGGAGAGGACGGG[G>C]CGTGCCCCGACGTGCGCGCGCGTCGTCCTCCCCGGCGCTCCTCCACAGCTCGCTGGCTCC-3'

ClinVar aggregate classification (germline): Uncertain significance (1 of 4 stars; one submission).

Conditions:
Retinoblastoma (RB1). Also called: RETINOBLASTOMA, SOMATIC. Identifiers: Orphanet 790, MedGen C0035335, MeSH D012175, MONDO:0008380, OMIM 180200, HP:0009919. Disease mechanism: loss of function. Inheritance: Both sporadic and heritable forms are tested..

Submission:

Labcorp Genetics (formerly Invitae), Labcorp
Classification: Uncertain significance for Retinoblastoma. Last evaluated: 2025-06-18. Review status: criteria provided, single submitter. Criteria: Invitae Variant Classification Sherloc (09022015). Collection method: clinical testing. Allele origin: germline.
Comment: This variant occurs in a non-coding region of the RB1 gene. It does not change the encoded amino acid sequence of the RB1 protein. This variant is not present in population databases (gnomAD no frequency). This variant has not been reported in the literature in individuals affected with RB1-related conditions. In summary, the available evidence is currently insufficient to determine the role of this variant in disease. Therefore, it has been classified as a Variant of Uncertain Significance.